The following is an entry in ClinVar:

ClinVar aggregate classification (germline): Conflicting classifications of pathogenicity. Review status: criteria provided, conflicting classifications (1 of 4 stars). 4 submissions from 3 submitters: Uncertain significance (2); Benign (1); Likely benign (1). Last evaluated 2026-01-15.

Conditions:
Paget disease of bone 2, early-onset (PDB2). Also called: Paget disease of bone 2. Identifiers: MedGen C4085251, MONDO:0011183, OMIM 602080.
Autosomal recessive osteopetrosis 7. Identifiers: Orphanet 178389, MedGen C2676766, MONDO:0012859, OMIM 612301.
TNFRSF11A-related disorder. Also called: TNFRSF11A-related condition.

Allele frequency attached by ClinVar (database versions not stated): TOPMed 0.00005; ExAC 0.00016; gnomAD exomes 0.00019.
gnomAD v4.1: 144 of 1,613,880 alleles (0.0089%); highest among the groups gnomAD compares: Middle Eastern, 0.016%; 1 homozygote.

Submissions (4):

Labcorp Genetics (formerly Invitae), Labcorp
Classification: Benign. Last evaluated: 2026-01-15. Review status: criteria provided, single submitter. Criteria: Invitae Variant Classification Sherloc (09022015). Collection method: clinical testing. Allele origin: germline.

PreventionGenetics, part of Exact Sciences
Classification: Likely benign for TNFRSF11A-related condition. Last evaluated: 2025-09-09. Review status: criteria provided, single submitter. Criteria: ACMG Guidelines, 2015. Collection method: clinical testing. Allele origin: germline.
Comment: This variant is classified as likely benign based on ACMG/AMP sequence variant interpretation guidelines (Richards et al. 2015 PMID: 25741868, with internal and published modifications).

Illumina Laboratory Services, Illumina
Classification: Uncertain significance for Paget disease of bone 2, early-onset. Last evaluated: 2018-01-13. Review status: criteria provided, single submitter. Criteria: ICSL Variant Classification Criteria 13 December 2019. Collection method: clinical testing. Allele origin: germline.

Illumina Laboratory Services, Illumina
Classification: Uncertain significance for Autosomal recessive osteopetrosis 7. Last evaluated: 2018-01-13. Review status: criteria provided, single submitter. Criteria: ICSL Variant Classification Criteria 13 December 2019. Collection method: clinical testing. Allele origin: germline.

NM_003839.4(TNFRSF11A):c.543A>T (p.Arg181Ser)

Gene: TNFRSF11A (TNF receptor superfamily member 11a; plus strand). Cytogenetic location: 18q21.33.
Variant type: single nucleotide variant.
Coding change: c.543A>T on transcript NM_003839.4 (MANE Select); coding-DNA position 543, A replaced by T.
Protein change: p.Arg181Ser; replaces arginine 181 with serine.
Molecular consequence: missense variant.
Genome position (GRCh38, 1-based): chr18:62,359,976, A>T. VCF-style: chr18-62359976-A-T. GRCh37 (hg19) VCF-style: chr18-60027209-A-T.
Other names: c.543A>T, p.Arg181Ser (NM_001270949.2, NM_001270950.2, NM_001270951.2); c.501A>T, p.Arg167Ser (NM_001278268.2); short protein forms R181S, R167S.
Identifiers: ClinVar variation 327732 (VCV000327732.15), dbSNP rs762733251, ClinGen allele CA8983796.